The following is an entry in ClinVar:

ClinVar aggregate classification (germline): Benign/Likely benign. Review status: criteria provided, multiple submitters, no conflicts (2 of 4 stars). 6 submissions from 5 submitters: Benign (1); Likely benign (5). Last evaluated 2025-12-01.

Conditions:
Macrothrombocytopenia and granulocyte inclusions with or without nephritis or sensorineural hearing loss (MATINS). Also called: BLEEDING DISORDER, PLATELET-TYPE, 6; DOHLE LEUKOCYTE INCLUSIONS WITH GIANT PLATELETS; MACROTHROMBOCYTOPENIA WITH LEUKOCYTE INCLUSIONS; SEBASTIAN PLATELET SYNDROME; MACROTHROMBOCYTOPENIA WITH DISPERSED LEUKOCYTIC INCLUSIONS; MACROTHROMBOCYTOPENIA, NEPHRITIS, AND DEAFNESS. Identifiers: Orphanet 182050, MedGen C5200934, MONDO:0015912, OMIM 155100.
Autosomal dominant nonsyndromic hearing loss 17. Also called: Deafness, autosomal dominant 17; Autosomal dominant nonsyndromic deafness 17. Identifiers: Orphanet 90635, MedGen C1863659, MONDO:0011350, OMIM 603622.
MYH9-related disorder. Identifiers: MedGen C1854520.

Allele frequency attached by ClinVar (database versions not stated): gnomAD 0.00031 and 0.00034; TOPMed 0.00031; ESP Exome Variant Server 0.00054.
gnomAD v4.1: 719 of 1,612,298 alleles (0.045%); highest among the groups gnomAD compares: South Asian, 0.15%; 2 homozygotes.

Submissions (6):

Labcorp Genetics (formerly Invitae), Labcorp
Classification: Benign. Last evaluated: 2025-12-01. Review status: criteria provided, single submitter. Criteria: Invitae Variant Classification Sherloc (09022015). Collection method: clinical testing. Allele origin: germline.

Blueprint Genetics
Classification: Likely benign. Last evaluated: 2024-10-23. Review status: criteria provided, single submitter. Criteria: ACMG Guidelines, 2015. Collection method: clinical testing. Allele origin: germline.

Fulgent Genetics
Classification: Likely benign for Macrothrombocytopenia and granulocyte inclusions with or without nephritis or sensorineural hearing loss; Autosomal dominant nonsyndromic hearing loss 17. Last evaluated: 2021-10-21. Review status: criteria provided, single submitter. Criteria: ACMG Guidelines, 2015. Collection method: clinical testing. Allele origin: unknown.

Illumina Laboratory Services, Illumina
Classification: Likely benign for Autosomal dominant nonsyndromic hearing loss 17. Last evaluated: 2017-04-27. Review status: criteria provided, single submitter. Criteria: ICSL Variant Classification Criteria 13 December 2019. Collection method: clinical testing. Allele origin: germline.
Comment: This variant was observed as part of a predisposition screen in an ostensibly healthy population. A literature search was performed for the gene, cDNA change, and amino acid change (where applicable). No publications were found based on this search. Allele frequency data from public databases allowed determination this variant is unlikely to cause disease. Therefore, this variant is classified as likely benign.

Illumina Laboratory Services, Illumina
Classification: Likely benign for MYH9-related disorder. Last evaluated: 2017-04-27. Review status: criteria provided, single submitter. Criteria: ICSL Variant Classification Criteria 13 December 2019. Collection method: clinical testing. Allele origin: germline.
Comment: the same text as in the submission from Illumina Laboratory Services, Illumina above.

Laboratory for Molecular Medicine, Mass General Brigham Personalized Medicine
Classification: Likely benign. Last evaluated: 2015-11-12. Review status: criteria provided, single submitter. Criteria: LMM Criteria. Collection method: clinical testing. Allele origin: germline. Observed: 4 variant alleles.
Comment: c.2500-14A>G variant in intron 20 of MYH9: This variant is not expected to have clinical significance because it does not affect the conserved positions of the 3' splice site and computational tools do not suggest an impact to splicing. In addition, it has also been identified in 0.12% (20/16438) of South Asian chromos omes and in 0.1% (54/65316) of European chromosomes by the Exome Aggregation Con sortium (ExAC;dbSNP rs199505086).

NM_002473.6(MYH9):c.2500-14A>G

Gene: MYH9 (myosin heavy chain 9; minus strand). Cytogenetic location: 22q12.3.
Variant type: single nucleotide variant.
Coding change: c.2500-14A>G on transcript NM_002473.6 (MANE Select); 14 bases into the intron before coding-DNA position 2500, A replaced by G.
Molecular consequence: intron variant.
Genome position (GRCh38, 1-based): chr22:36,301,679, T>C on the plus strand (A>G on the coding strand, the complement: MYH9 is on the minus strand). VCF-style: chr22-36301679-T-C. GRCh37 (hg19) VCF-style: chr22-36697725-T-C.
Identifiers: ClinVar variation 164451 (VCV000164451.17), dbSNP rs199505086, ClinGen allele CA177126.